The following is an entry in ClinVar:

ClinVar aggregate classification (germline): Likely pathogenic (1 of 4 stars; one submission).

Conditions:
Hereditary spastic paraplegia 54. Also called: Spastic paraplegia 54, autosomal recessive. Identifiers: Orphanet 320380, MedGen C3539495, MONDO:0014018, OMIM 615033.

Submission:

Kasturba Medical College, Manipal, Kasturba Medical College, Manipal, Manipal Academy of Higher Education, Manipal, India
Classification: Likely pathogenic for Hereditary spastic paraplegia 54. Review status: criteria provided, single submitter. Criteria: ACMG Guidelines, 2015. Collection method: research. Allele origin: maternal. Inheritance: Autosomal recessive inheritance. Affected: yes. Observed: 1 homozygote.
Comment: Father’s sample was not available for testing. This variant is absent in homozygous/heterozygous state in the gnomAD (v4.1.0) population database and in our in-house data of 3543 exomes. This variant introduces a premature truncation codon which may either cause the transcript to undergo nonsense-mediated mRNA decay or lead to the formation of a truncated protein product. The clinical findings observed in the proband are in concordance with spastic paraplegia 54, autosomal recessive.

NM_015214.3(DDHD2):c.1396G>T (p.Glu466Ter)

Gene: DDHD2 (DDHD domain containing 2; plus strand). Cytogenetic location: 8p11.23.
Variant type: single nucleotide variant.
Coding change: c.1396G>T on transcript NM_015214.3 (MANE Select); coding-DNA position 1396, G replaced by T.
Protein change: p.Glu466Ter; replaces glutamic acid 466 with a stop codon.
Molecular consequence: nonsense. On other transcripts: non-coding transcript variant (2).
Genome position (GRCh38, 1-based): chr8:38,251,963, G>T. VCF-style: chr8-38251963-G-T. GRCh37 (hg19) VCF-style: chr8-38109481-G-T.
Other names: c.1396G>T, p.Glu466Ter (NM_001164232.2, NM_001362911.2, NM_001362912.2 and 1 more transcripts); c.1306G>T, p.Glu436Ter (NM_001362913.2); short protein forms E436*, E466*.
Identifiers: ClinVar variation 3774333 (VCV003774333.2).